The following is an entry in ClinVar:

NM_033305.3(VPS13A):c.7155G>A (p.Glu2385=)

Gene: VPS13A (vacuolar protein sorting 13 homolog A; plus strand). Cytogenetic location: 9q21.2.
Variant type: single nucleotide variant.
Coding change: c.7155G>A on transcript NM_033305.3 (MANE Select); coding-DNA position 7155, G replaced by A.
Protein change: p.Glu2385=; no amino-acid change (glutamic acid 2385 retained).
Molecular consequence: synonymous variant.
Genome position (GRCh38, 1-based): chr9:77,344,281, G>A. VCF-style: chr9-77344281-G-A. GRCh37 (hg19) VCF-style: chr9-79959197-G-A.
Other names: p.Glu2385=; c.7038G>A, p.Glu2346= (NM_001018037.2); c.7155G>A, p.Glu2385= (NM_001018038.3, NM_015186.4).
Identifiers: ClinVar variation 367409 (VCV000367409.20), dbSNP rs73449933, ClinGen allele CA5093227.

ClinVar aggregate classification (germline): Benign/Likely benign. Review status: criteria provided, multiple submitters, no conflicts (2 of 4 stars). 5 submissions from 5 submitters: Benign (3); Likely benign (2). Last evaluated 2026-01-31.

Conditions:
VPS13A-related neurodegenerative disease. Also called: Choreoacanthocytosis; Chorea-acanthocytosis; LEVINE-CRITCHLEY SYNDROME; Choreaacanthocytosis; ACANTHOCYTOSIS WITH NEUROLOGIC DISORDER; VPS13A Disease. Identifiers: Orphanet 2388, MedGen C0393576, MONDO:0008695, OMIM 200150.

Allele frequency attached by ClinVar (database versions not stated): gnomAD exomes 0.00117 and 0.00321; ExAC 0.00383; gnomAD 0.01235 and 0.01319; ESP Exome Variant Server 0.01308; 1000 Genomes Project 0.01418; TOPMed 0.01435; 1000 Genomes Project 30x 0.01593.
gnomAD v4.1: 3,659 of 1,612,836 alleles (0.23%); highest among the groups gnomAD compares: African/African-American, 4.3%; 81 homozygotes.

Submissions (7):

Labcorp Genetics (formerly Invitae), Labcorp
Classification: Benign. Last evaluated: 2026-01-31. Review status: criteria provided, single submitter. Criteria: Invitae Variant Classification Sherloc (09022015). Collection method: clinical testing. Allele origin: germline.

Mayo Clinic Laboratories, Mayo Clinic
Classification: Benign. Last evaluated: 2023-04-12. Review status: criteria provided, single submitter. Criteria: ACMG Guidelines, 2015. Collection method: clinical testing. Allele origin: germline. Observed: 2 variant alleles.
Comment: BS1, BS2

GeneDx
Classification: Likely benign. Last evaluated: 2021-06-11. Review status: criteria provided, single submitter. Criteria: GeneDx Variant Classification Process June 2021. Collection method: clinical testing. Allele origin: germline. Affected: yes.

Illumina Laboratory Services, Illumina
Classification: Benign for VPS13A-related neurodegenerative disease. Last evaluated: 2018-01-12. Review status: criteria provided, single submitter. Criteria: ICSL Variant Classification Criteria 13 December 2019. Collection method: clinical testing. Allele origin: germline.
Comment: This variant was observed in the ICSL laboratory as part of a predisposition screen in an ostensibly healthy population. It had not been previously curated by ICSL or reported in the Human Gene Mutation Database (HGMD: prior to June 1st, 2018), and was therefore a candidate for classification through an automated scoring system. Utilizing variant allele frequency, disease prevalence and penetrance estimates, and inheritance mode, an automated score was calculated to assess if this variant is too frequent to cause the disease. Based on the score and internal cut-off values, a variant classified as benign is not then subjected to further curation. The score for this variant resulted in a classification of benign for this disease.

Breakthrough Genomics
Classification: Likely benign. Review status: criteria provided, single submitter. Criteria: ACMG Guidelines, 2015. Collection method: not provided. Allele origin: germline. Inheritance: Autosomal recessive inheritance. Affected: yes.

Dr. Peter K. Rogan Lab, Western University
No classification provided (evidence only). Condition: Nonpapillary renal cell carcinoma. Review status: no classification provided. Collection method: in vitro. Allele origin: not applicable. Functional consequence: retained intron. Not counted in ClinVar's aggregate classification.

Dr. Peter K. Rogan Lab, Western University
No classification provided (evidence only). Condition: Malignant tumor of esophagus. Review status: no classification provided. Collection method: in vitro. Allele origin: not applicable. Functional consequence: retained intron. Not counted in ClinVar's aggregate classification.